The following is an entry in ClinVar:

ClinVar aggregate classification (germline): Uncertain significance (1 of 4 stars; one submission).

Submission:

Labcorp Genetics (formerly Invitae), Labcorp
Classification: Uncertain significance. Last evaluated: 2022-05-08. Review status: criteria provided, single submitter. Criteria: Invitae Variant Classification Sherloc (09022015). Collection method: clinical testing. Allele origin: germline.
Comment: This variant is not present in population databases (gnomAD no frequency). In summary, the available evidence is currently insufficient to determine the role of this variant in disease. Therefore, it has been classified as a Variant of Uncertain Significance. Variants that disrupt the consensus splice site are a relatively common cause of aberrant splicing (PMID: 17576681, 9536098). Algorithms developed to predict the effect of sequence changes on RNA splicing suggest that this variant may disrupt the consensus splice site. This variant has not been reported in the literature in individuals affected with SCLT1-related conditions. This sequence change falls in intron 19 of the SCLT1 gene. It does not directly change the encoded amino acid sequence of the SCLT1 protein. It affects a nucleotide within the consensus splice site.

Literature cited by the submitters: PubMed 17576681; PubMed 9536098.

NM_144643.4(SCLT1):c.1908+6A>T

Gene: SCLT1 (sodium channel and clathrin linker 1; minus strand). Cytogenetic location: 4q28.2.
Variant type: single nucleotide variant.
Coding change: c.1908+6A>T on transcript NM_144643.4 (MANE Select); 6 bases into the intron after coding-DNA position 1908, A replaced by T.
Molecular consequence: intron variant.
Genome position (GRCh38, 1-based): chr4:128,891,053, T>A on the plus strand (A>T on the coding strand, the complement: SCLT1 is on the minus strand). VCF-style: chr4-128891053-T-A. GRCh37 (hg19) VCF-style: chr4-129812208-T-A.
Identifiers: ClinVar variation 2135536 (VCV002135536.4), dbSNP rs1733273741, ClinGen allele CA2580071543.